The following is an entry in ClinVar:

ClinVar aggregate classification (germline): Likely benign. Review status: criteria provided, multiple submitters, no conflicts (2 of 4 stars). 5 submissions from 5 submitters: Likely benign (4). 1 of the submissions does not count toward it. Last evaluated 2025-10-31.

Conditions:
PDHX-related disorder. Also called: PDHX-related condition.
Pyruvate dehydrogenase E3-binding protein deficiency (PDHXD). Also called: PYRUVATE HYDROGENASE E3-BINDING PROTEIN DEFICIENCY; E3-Binding Protein (Component X) Deficiency; Lacticacidemia due to PDX1 deficiency; LACTIC ACIDEMIA DUE TO DEFECT IN LIPOYL-CONTAINING COMPONENT X OF THE PYRUVATE DEHYDROGENASE COMPLEX. Identifiers: Orphanet 255182, MedGen C1855553, MONDO:0009503, OMIM 245349.

Allele frequency attached by ClinVar (database versions not stated): gnomAD 0.00010 and 0.00011; gnomAD exomes 0.00011 and 0.00059; TOPMed 0.00028; ExAC 0.00056.
gnomAD v4.1: 172 of 1,611,964 alleles (0.011%); highest among the groups gnomAD compares: Admixed American, 0.28%; 1 homozygote.

Submissions (5):

Labcorp Genetics (formerly Invitae), Labcorp
Classification: Likely benign. Last evaluated: 2025-10-31. Review status: criteria provided, single submitter. Criteria: Invitae Variant Classification Sherloc (09022015). Collection method: clinical testing. Allele origin: germline.

Mayo Clinic Laboratories, Mayo Clinic
Classification: Likely benign. Last evaluated: 2025-07-08. Review status: criteria provided, single submitter. Criteria: ACMG Guidelines, 2015. Collection method: clinical testing. Allele origin: germline. Observed: 1 variant allele.
Comment: BS1, BP4_moderate

GeneDx
Classification: Likely benign. Last evaluated: 2021-06-24. Review status: criteria provided, single submitter. Criteria: GeneDx Variant Classification Process June 2021. Collection method: clinical testing. Allele origin: germline. Affected: yes.

Illumina Laboratory Services, Illumina
Classification: Likely benign for Pyruvate dehydrogenase E3-binding protein deficiency. Last evaluated: 2018-01-13. Review status: criteria provided, single submitter. Criteria: ICSL Variant Classification Criteria 13 December 2019. Collection method: clinical testing. Allele origin: germline.
Comment: This variant was observed in the ICSL laboratory as part of a predisposition screen in an ostensibly healthy population. It had not been previously curated by ICSL or reported in the Human Gene Mutation Database (HGMD: prior to June 1st, 2018), and was therefore a candidate for classification through an automated scoring system. Utilizing variant allele frequency, disease prevalence and penetrance estimates, and inheritance mode, an automated score was calculated to assess if this variant is too frequent to cause the disease. Based on the score and internal cut-off values, a variant classified as likely benign is not then subjected to further curation. The score for this variant resulted in a classification of likely benign for this disease.

PreventionGenetics, part of Exact Sciences
Classification: Likely benign for PDHX-related condition. Last evaluated: 2023-09-25. Review status: no assertion criteria provided. Collection method: clinical testing. Allele origin: germline. Not counted in ClinVar's aggregate classification.
Comment: This variant is classified as likely benign based on ACMG/AMP sequence variant interpretation guidelines (Richards et al. 2015 PMID: 25741868, with internal and published modifications).

NM_003477.3(PDHX):c.532G>A (p.Gly178Arg)

Gene: PDHX (pyruvate dehydrogenase complex component X; plus strand). Cytogenetic location: 11p13.
Variant type: single nucleotide variant.
Coding change: c.532G>A on transcript NM_003477.3 (MANE Select); coding-DNA position 532, G replaced by A.
Protein change: p.Gly178Arg; replaces glycine 178 with arginine.
Molecular consequence: missense variant. On other transcripts: intron variant (1).
Genome position (GRCh38, 1-based): chr11:34,957,573, G>A. VCF-style: chr11-34957573-G-A. GRCh37 (hg19) VCF-style: chr11-34979120-G-A.
Other names: p.Gly178Arg; c.352G>A, p.Gly118Arg (NM_001135024.2); c.342+9967G>A (NM_001166158.2); short protein forms G178R, G118R.
Identifiers: ClinVar variation 304466 (VCV000304466.20), dbSNP rs765182974, ClinGen allele CA5945887.